The following is an entry in ClinVar:

NM_000092.5(COL4A4):c.2131A>G (p.Thr711Ala)

Gene: COL4A4 (collagen type IV alpha 4 chain; minus strand). Cytogenetic location: 2q36.3.
Variant type: single nucleotide variant.
Coding change: c.2131A>G on transcript NM_000092.5 (MANE Select); coding-DNA position 2131, A replaced by G.
Protein change: p.Thr711Ala; replaces threonine 711 with alanine.
Molecular consequence: missense variant.
Genome position (GRCh38, 1-based): chr2:227,060,169, T>C on the plus strand (A>G on the coding strand, the complement: COL4A4 is on the minus strand). VCF-style: chr2-227060169-T-C. GRCh37 (hg19) VCF-style: chr2-227924885-T-C.
Other names: short protein forms T711A.
Identifiers: ClinVar variation 2840249 (VCV002840249.3), dbSNP rs2474253446, ClinGen allele CA350842323.
Genomic context (GRCh38, chr2:227,060,169, plus strand): 5'-AAAAAAAAAAAAAAAAACCTCACTGACCAGGTGGACCTGGTATTTCCGCTGTTCCTGGTG[T>C]GCCAGGTCTGCCTTTATGCCCATCTGAACCACTCAGCCCAGGGGCACCTTGGGGACCTGG-3'
Protein context (NP_000083.3, residues 701-721): GSDGHKGRPG[Thr711Ala]PGTAEIPGPP

ClinVar aggregate classification (germline): Uncertain significance (1 of 4 stars; one submission).

Submission:

Labcorp Genetics (formerly Invitae), Labcorp
Classification: Uncertain significance. Last evaluated: 2023-02-23. Review status: criteria provided, single submitter. Criteria: Invitae Variant Classification Sherloc (09022015). Collection method: clinical testing. Allele origin: germline.
Comment: This sequence change replaces threonine, which is neutral and polar, with alanine, which is neutral and non-polar, at codon 711 of the COL4A4 protein (p.Thr711Ala). This variant is not present in population databases (gnomAD no frequency). This variant has not been reported in the literature in individuals affected with COL4A4-related conditions. Advanced modeling of protein sequence and biophysical properties (such as structural, functional, and spatial information, amino acid conservation, physicochemical variation, residue mobility, and thermodynamic stability) performed at Invitae indicates that this missense variant is not expected to disrupt COL4A4 protein function. In summary, the available evidence is currently insufficient to determine the role of this variant in disease. Therefore, it has been classified as a Variant of Uncertain Significance.